The following is an entry in ClinVar:

ClinVar aggregate classification (germline): Uncertain significance (1 of 4 stars; one submission).

Allele frequency attached by ClinVar (database versions not stated): TOPMed below 0.00001; gnomAD 0.00001.
gnomAD v4.1: 1 of 1,614,120 alleles (0.000062%); highest among the groups gnomAD compares: Admixed American, 0.0017%; no homozygotes.

Submission:

Ambry Genetics
Classification: Uncertain significance. Last evaluated: 2022-12-18. Review status: criteria provided, single submitter. Criteria: Ambry Variant Classification Scheme 2023. Collection method: clinical testing. Allele origin: germline.
Comment: The p.E609G variant (also known as c.1826A>G), located in coding exon 3 of the ALPK2 gene, results from an A to G substitution at nucleotide position 1826. The glutamic acid at codon 609 is replaced by glycine, an amino acid with similar properties. This amino acid position is conserved. In addition, this alteration is predicted to be tolerated by in silico analysis. Since supporting evidence is limited at this time, the clinical significance of this alteration remains unclear.

NM_052947.4(ALPK2):c.1826A>G (p.Glu609Gly)

Gene: ALPK2 (alpha kinase 2; minus strand). Cytogenetic location: 18q21.31.
Variant type: single nucleotide variant.
Coding change: c.1826A>G on transcript NM_052947.4 (MANE Select); coding-DNA position 1826, A replaced by G.
Protein change: p.Glu609Gly; replaces glutamic acid 609 with glycine.
Molecular consequence: missense variant.
Genome position (GRCh38, 1-based): chr18:58,578,950, T>C on the plus strand (A>G on the coding strand, the complement: ALPK2 is on the minus strand). VCF-style: chr18-58578950-T-C. GRCh37 (hg19) VCF-style: chr18-56246182-T-C.
Other names: short protein forms E609G.
Identifiers: ClinVar variation 2497279 (VCV002497279.2), dbSNP rs1734130136, ClinGen allele CA402559964.